The following is an entry in ClinVar:

NM_006947.4(SRP72):c.1194C>T (p.Ser398=)

Gene: SRP72 (signal recognition particle 72; plus strand). Cytogenetic location: 4q12.
Variant type: single nucleotide variant.
Coding change: c.1194C>T on transcript NM_006947.4 (MANE Select); coding-DNA position 1194, C replaced by T.
Protein change: p.Ser398=; no amino-acid change (serine 398 retained).
Molecular consequence: synonymous variant. On other transcripts: non-coding transcript variant (1).
Genome position (GRCh38, 1-based): chr4:56,487,983, C>T. VCF-style: chr4-56487983-C-T. GRCh37 (hg19) VCF-style: chr4-57354149-C-T.
Other names: c.1194C>T (NM_006947.3); c.1011C>T, p.Ser337= (NM_001267722.2).
Identifiers: ClinVar variation 3679376 (VCV003679376.3).

ClinVar aggregate classification (germline): Conflicting classifications of pathogenicity. Review status: criteria provided, conflicting classifications (1 of 4 stars). 2 submissions from 2 submitters: Uncertain significance (1); Likely benign (1). Last evaluated 2025-01-23.

Submissions (2):

Labcorp Genetics (formerly Invitae), Labcorp
Classification: Uncertain significance. Last evaluated: 2025-01-23. Review status: criteria provided, single submitter. Criteria: Invitae Variant Classification Sherloc (09022015). Collection method: clinical testing. Allele origin: germline.
Comment: This sequence change affects codon 398 of the SRP72 mRNA. It is a 'silent' change, meaning that it does not change the encoded amino acid sequence of the SRP72 protein. This variant is not present in population databases (gnomAD no frequency). This variant has not been reported in the literature in individuals affected with SRP72-related conditions. Algorithms developed to predict the effect of sequence changes on RNA splicing suggest that this variant may disrupt the consensus splice site. In summary, the available evidence is currently insufficient to determine the role of this variant in disease. Therefore, it has been classified as a Variant of Uncertain Significance.

Ambry Genetics
Classification: Likely benign. Last evaluated: 2025-01-11. Review status: criteria provided, single submitter. Criteria: Ambry Variant Classification Scheme 2023. Collection method: clinical testing. Allele origin: germline.